The following is an entry in ClinVar:

ClinVar aggregate classification (germline): Uncertain significance (1 of 4 stars; one submission).

Submission:

GeneDx
Classification: Uncertain significance. Last evaluated: 2025-03-05. Review status: criteria provided, single submitter. Criteria: GeneDx Variant Classification Process June 2021. Collection method: clinical testing. Allele origin: germline. Affected: yes.
Comment: In silico analysis supports that this missense variant has a deleterious effect on protein structure/function; Has not been previously published as pathogenic or benign to our knowledge

NM_005883.3(APC2):c.3748T>C (p.Cys1250Arg)

Gene: APC2 (APC regulator of Wnt signaling pathway 2; plus strand). Cytogenetic location: 19p13.3.
Variant type: single nucleotide variant.
Coding change: c.3748T>C on transcript NM_005883.3 (MANE Select); coding-DNA position 3748, T replaced by C.
Protein change: p.Cys1250Arg; replaces cysteine 1250 with arginine.
Molecular consequence: missense variant.
Genome position (GRCh38, 1-based): chr19:1,467,049, T>C. VCF-style: chr19-1467049-T-C. GRCh37 (hg19) VCF-style: chr19-1467048-T-C.
Other names: c.3745T>C, p.Cys1249Arg (NM_001351273.1); short protein forms C1249R, C1250R.
Identifiers: ClinVar variation 4082558 (VCV004082558.1).